The following is an entry in ClinVar:

NM_007294.4(BRCA1):c.547+791del

Gene: BRCA1 (BRCA1 DNA repair associated; minus strand). Cytogenetic location: 17q21.31.
Variant type: Deletion.
Coding change: c.547+791del on transcript NM_007294.4 (MANE Select); 791 bases into the intron after coding-DNA position 547, one base deleted (A; older notation c.547+791delA).
Molecular consequence: intron variant.
Genome position (GRCh38, 1-based): chr17:43,098,984, T deleted on the plus strand (A on the coding strand, the reverse complement: BRCA1 is on the minus strand); the first of 19 consecutive T bases (chr17:43,098,984-43,099,002); deleting any one gives the same sequence. VCF-style (leftmost placement, unchanged base first): chr17-43098983-AT-A. GRCh37 (hg19) VCF-style: chr17-41251000-AT-A.
Other names: c.406+791del (NM_001408458.1, NM_001407922.1, NM_001408469.1 and 61 more transcripts); c.-218-4124del (NM_001407967.1, NM_001407966.1); c.166+791del (NM_001407959.1, NM_001408512.1, NM_001408510.1 and 3 more transcripts); c.403+791del (NM_001407931.1, NM_001407747.1, NM_001408470.1 and 35 more transcripts); c.163+791del (NM_001407962.1); c.337+791del (NM_001407885.1, NM_001407886.1, NM_001407881.1 and 37 more transcripts); c.544+791del (NM_001407686.1, NM_001408397.1, NM_001407632.1 and 65 more transcripts); c.547+791del (NM_001408436.1, NM_001407665.1, NM_001407980.1 and 96 more transcripts); and 5 more.
Identifiers: ClinVar variation 264822 (VCV000264822.2), dbSNP rs577010874, ClinGen allele CA10588231.

ClinVar aggregate classification (germline): Benign (3 of 4 stars; one submission).

Conditions:
Breast-ovarian cancer, familial, susceptibility to, 1 (BROVCA1). Also called: BRCA1 Hereditary Breast and Ovarian Cancer; OVARIAN CANCER, SUSCEPTIBILITY TO. Identifiers: Orphanet 145, MedGen C2676676, MONDO:0011450, OMIM 604370. Disease mechanism: loss of function.

Submission:

Evidence-based Network for the Interpretation of Germline Mutant Alleles (ENIGMA)
Classification: Benign for Breast-ovarian cancer, familial, susceptibility to, 1. Last evaluated: 2016-09-28. Review status: reviewed by expert panel. Criteria: ENIGMA BRCA1/2 Classification Criteria (2015). Collection method: curation. Allele origin: germline.
Comment: Class 1 not pathogenic based on frequency >1% in an outbred sampleset. Frequency 0.2018 (European), 0.2496 (African), 0.1902 (Admixed American/Latino), 0.127 (East Asian), 0.1677 (South Asian), derived from 1000 genomes (2013-05-02).